The following is an entry in ClinVar:

ClinVar aggregate classification (germline): Uncertain significance. Review status: criteria provided, multiple submitters, no conflicts (2 of 4 stars). 2 submissions from 2 submitters: Uncertain significance (2). Last evaluated 2026-07-06.

Conditions:
Hereditary cancer-predisposing syndrome. Also called: Hereditary Cancer Syndrome; Tumor predisposition; Neoplastic Syndromes, Hereditary; Hereditary neoplastic syndrome. Identifiers: Orphanet 140162, MedGen C0027672, MeSH D009386, MONDO:0015356.
Birt-Hogg-Dube syndrome. Also called: Birt Hogg Dubé syndrome. Identifiers: Orphanet 122, MedGen C0346010, MONDO:0800444.

gnomAD v4.1: 1 of 1,613,732 alleles (0.000062%); highest among the groups gnomAD compares: Non-Finnish European, 0.000085%; no homozygotes.

Submissions (2):

Ambry Genetics
Classification: Uncertain significance for Hereditary cancer-predisposing syndrome. Last evaluated: 2026-07-06. Review status: criteria provided, single submitter. Criteria: Ambry Variant Classification Scheme 2023. Collection method: clinical testing. Allele origin: germline.
Comment: The p.I180N variant (also known as c.539T>A), located in coding exon 3 of the FLCN gene, results from a T to A substitution at nucleotide position 539. The isoleucine at codon 180 is replaced by asparagine, an amino acid with dissimilar properties. This amino acid position is highly conserved in available vertebrate species. In addition, this alteration is predicted to be deleterious by in silico analysis. Based on the available evidence, the clinical significance of this variant remains unclear.

Labcorp Genetics (formerly Invitae), Labcorp
Classification: Uncertain significance for Birt-Hogg-Dube syndrome. Last evaluated: 2024-04-10. Review status: criteria provided, single submitter. Criteria: Invitae Variant Classification Sherloc (09022015). Collection method: clinical testing. Allele origin: germline.
Comment: This sequence change replaces isoleucine, which is neutral and non-polar, with asparagine, which is neutral and polar, at codon 180 of the FLCN protein (p.Ile180Asn). This variant is not present in population databases (gnomAD no frequency). This variant has not been reported in the literature in individuals affected with FLCN-related conditions. ClinVar contains an entry for this variant (Variation ID: 1511564). Advanced modeling of protein sequence and biophysical properties (such as structural, functional, and spatial information, amino acid conservation, physicochemical variation, residue mobility, and thermodynamic stability) performed at Invitae indicates that this missense variant is not expected to disrupt FLCN protein function with a negative predictive value of 80%. In summary, the available evidence is currently insufficient to determine the role of this variant in disease. Therefore, it has been classified as a Variant of Uncertain Significance.

NM_144997.7(FLCN):c.539T>A (p.Ile180Asn)

Gene: FLCN (folliculin; minus strand). Cytogenetic location: 17p11.2.
Variant type: single nucleotide variant.
Coding change: c.539T>A on transcript NM_144997.7 (MANE Select); coding-DNA position 539, T replaced by A.
Protein change: p.Ile180Asn; replaces isoleucine 180 with asparagine.
Molecular consequence: missense variant.
Genome position (GRCh38, 1-based): chr17:17,224,001, A>T on the plus strand (T>A on the coding strand, the complement: FLCN is on the minus strand). VCF-style: chr17-17224001-A-T. GRCh37 (hg19) VCF-style: chr17-17127315-A-T.
Other names: c.593T>A, p.Ile198Asn (NM_001353229.2); c.539T>A, p.Ile180Asn (NM_001353230.2, NM_001353231.2, NM_144606.7); c.539T>A (NM_144997.5); short protein forms I180N, I198N.
Identifiers: ClinVar variation 1511564 (VCV001511564.7), dbSNP rs2144975181, ClinGen allele CA398534333.